The following is an entry in ClinVar:

ClinVar aggregate classification (germline): Uncertain significance (1 of 4 stars; one submission).

Allele frequency attached by ClinVar (database versions not stated): gnomAD 0.00002.
gnomAD v4.1: 21 of 1,595,000 alleles (0.0013%); highest among the groups gnomAD compares: Non-Finnish European, 0.0018%; no homozygotes.

Submission:

Labcorp Genetics (formerly Invitae), Labcorp
Classification: Uncertain significance. Last evaluated: 2024-03-15. Review status: criteria provided, single submitter. Criteria: Invitae Variant Classification Sherloc (09022015). Collection method: clinical testing. Allele origin: germline.
Comment: This sequence change replaces proline, which is neutral and non-polar, with threonine, which is neutral and polar, at codon 377 of the KCNK4 protein (p.Pro377Thr). The frequency data for this variant in the population databases is considered unreliable, as metrics indicate poor data quality at this position in the gnomAD database. This variant has not been reported in the literature in individuals affected with KCNK4-related conditions. ClinVar contains an entry for this variant (Variation ID: 1978534). Experimental studies and prediction algorithms are not available or were not evaluated, and the functional significance of this variant is currently unknown. In summary, the available evidence is currently insufficient to determine the role of this variant in disease. Therefore, it has been classified as a Variant of Uncertain Significance.

NM_033310.3(KCNK4):c.1129C>A (p.Pro377Thr)

Genes: KCNK4 (potassium two pore domain channel subfamily K member 4; plus strand), KCNK4-CATSPERZ (KCNK4-CATSPERZ readthrough (NMD candidate); plus strand). Cytogenetic location: 11q13.1.
Variant type: single nucleotide variant.
Coding change: c.1129C>A on transcript NM_033310.3 (MANE Select); coding-DNA position 1129, C replaced by A.
Protein change: p.Pro377Thr; replaces proline 377 with threonine.
Molecular consequence: missense variant. On other transcripts: non-coding transcript variant (3).
Genome position (GRCh38, 1-based): chr11:64,299,673, C>A. VCF-style: chr11-64299673-C-A. GRCh37 (hg19) VCF-style: chr11-64067145-C-A.
Other names: c.1129C>A, p.Pro377Thr (NM_001317090.2, NM_033311.1); short protein forms P377T.
Identifiers: ClinVar variation 1978534 (VCV001978534.4), dbSNP rs1044742149, ClinGen allele CA223824567.
Genomic context (GRCh38, chr11:64,299,673, plus strand): 5'-CGCGGCTGCCCGCTGCCCCGCGCGCCGAGAGGTCGCCGCCGCCCAAATCCCCCCAGGAAG[C>A]CCGTGCGGCCCCGCGGCCCCGGGCGTCCCCGAGACAAAGGCGTGCCGGTGTAGGGGCAGG-3'
Protein context (NP_201567.1, residues 367-387): GRRRPNPPRK[Pro377Thr]VRPRGPGRPR